The following is an entry in ClinVar:

NM_000719.7(CACNA1C):c.6336G>C (p.Glu2112Asp)

Genes: CACNA1C (calcium voltage-gated channel subunit alpha1 C; plus strand), CACNA1C-AS1 (CACNA1C antisense RNA 1; minus strand). Cytogenetic location: 12p13.33.
Variant type: single nucleotide variant.
Coding change: c.6336G>C on transcript NM_000719.7 (MANE Select); coding-DNA position 6336, G replaced by C.
Protein change: p.Glu2112Asp; replaces glutamic acid 2112 with aspartic acid.
Molecular consequence: missense variant. On other transcripts: non-coding transcript variant (1).
Genome position (GRCh38, 1-based): chr12:2,691,118, G>C. VCF-style: chr12-2691118-G-C. GRCh37 (hg19) VCF-style: chr12-2800284-G-C.
Other names: c.6480G>C, p.Glu2160Asp (NM_001129827.2); c.6459G>C, p.Glu2153Asp (NM_001129829.2); c.6441G>C, p.Glu2147Asp (NM_001129830.3, NM_001167624.3); c.6420G>C, p.Glu2140Asp (NM_001129831.2); c.6396G>C, p.Glu2132Asp (NM_001129832.2); c.6393G>C, p.Glu2131Asp (NM_001129833.2, NM_001129834.2, NM_001129835.2); c.6387G>C, p.Glu2129Asp (NM_001129836.2); c.6360G>C, p.Glu2120Asp (NM_001129837.2, NM_001129838.2); and 7 more; short protein forms E2101D, E2109D, E2112D, E2118D, E2120D, E2129D, E2131D, E2132D.
Identifiers: ClinVar variation 1056138 (VCV001056138.10), dbSNP rs1188477095, ClinGen allele CA383387404.

ClinVar aggregate classification (germline): Uncertain significance. Review status: criteria provided, multiple submitters, no conflicts (2 of 4 stars). 2 submissions from 2 submitters: Uncertain significance (2). Last evaluated 2025-08-05.

Conditions:
Cardiovascular phenotype. Identifiers: MedGen CN230736.
Long QT syndrome (LQTS). Identifiers: MedGen C0023976, MeSH D008133, MONDO:0002442. Disease mechanism: loss of function. Inheritance: Various modes of inheritance.

Allele frequency attached by ClinVar (database versions not stated): gnomAD exomes below 0.00001.
gnomAD v4.1: 3 of 1,610,506 alleles (0.00019%); highest among the groups gnomAD compares: Non-Finnish European, 0.00025%; no homozygotes.

Submissions (2):

Labcorp Genetics (formerly Invitae), Labcorp
Classification: Uncertain significance for Long QT syndrome. Last evaluated: 2025-08-05. Review status: criteria provided, single submitter. Criteria: Invitae Variant Classification Sherloc (09022015). Collection method: clinical testing. Allele origin: germline.
Comment: This sequence change replaces glutamic acid, which is acidic and polar, with aspartic acid, which is acidic and polar, at codon 2112 of the CACNA1C protein (p.Glu2112Asp). This variant is not present in population databases (gnomAD no frequency). This variant has not been reported in the literature in individuals affected with CACNA1C-related conditions. ClinVar contains an entry for this variant (Variation ID: 1056138). Invitae Evidence Modeling of protein sequence and biophysical properties (such as structural, functional, and spatial information, amino acid conservation, physicochemical variation, residue mobility, and thermodynamic stability) indicates that this missense variant is not expected to disrupt CACNA1C protein function with a negative predictive value of 95%. In summary, the available evidence is currently insufficient to determine the role of this variant in disease. Therefore, it has been classified as a Variant of Uncertain Significance.

Ambry Genetics
Classification: Uncertain significance for Cardiovascular phenotype. Last evaluated: 2023-10-18. Review status: criteria provided, single submitter. Criteria: Ambry Variant Classification Scheme 2023. Collection method: clinical testing. Allele origin: germline.
Comment: The p.E2112D variant (also known as c.6336G>C), located in coding exon 47 of the CACNA1C gene, results from a G to C substitution at nucleotide position 6336. The glutamic acid at codon 2112 is replaced by aspartic acid, an amino acid with highly similar properties. This amino acid position is well conserved in available vertebrate species. In addition, this alteration is predicted to be tolerated by in silico analysis. Since supporting evidence is limited at this time, the clinical significance of this alteration remains unclear.